The following is an entry in ClinVar:

ClinVar aggregate classification (germline): Uncertain significance (1 of 4 stars; one submission).

Conditions:
Familial sleep-related hypermotor epilepsy. Also called: Autosomal Dominant Sleep-Related Hypermotor (Hyperkinetic) Epilepsy. Identifiers: Orphanet 98784, MedGen C3696898, MONDO:0000030.

gnomAD v4.1: 4 of 1,587,828 alleles (0.00025%); highest among the groups gnomAD compares: East Asian, 0.0023%; no homozygotes.

Submission:

Labcorp Genetics (formerly Invitae), Labcorp
Classification: Uncertain significance. Last evaluated: 2024-03-13. Review status: criteria provided, single submitter. Criteria: Invitae Variant Classification Sherloc (09022015). Collection method: clinical testing. Allele origin: germline.
Comment: This sequence change replaces arginine, which is basic and polar, with cysteine, which is neutral and slightly polar, at codon 358 of the CHRNB2 protein (p.Arg358Cys). This variant is not present in population databases (gnomAD no frequency). This variant has not been reported in the literature in individuals affected with CHRNB2-related conditions. Advanced modeling of protein sequence and biophysical properties (such as structural, functional, and spatial information, amino acid conservation, physicochemical variation, residue mobility, and thermodynamic stability) performed at Invitae indicates that this missense variant is not expected to disrupt CHRNB2 protein function with a negative predictive value of 80%. In summary, the available evidence is currently insufficient to determine the role of this variant in disease. Therefore, it has been classified as a Variant of Uncertain Significance.

NM_000748.3(CHRNB2):c.1072C>T (p.Arg358Cys)

Gene: CHRNB2 (cholinergic receptor nicotinic beta 2 subunit; plus strand). Cytogenetic location: 1q21.3.
Variant type: single nucleotide variant.
Coding change: c.1072C>T on transcript NM_000748.3 (MANE Select); coding-DNA position 1072, C replaced by T.
Protein change: p.Arg358Cys; replaces arginine 358 with cysteine.
Molecular consequence: missense variant.
Genome position (GRCh38, 1-based): chr1:154,571,895, C>T. VCF-style: chr1-154571895-C-T. GRCh37 (hg19) VCF-style: chr1-154544371-C-T.
Other names: short protein forms R358C.
Identifiers: ClinVar variation 3621870 (VCV003621870.2).